The following is an entry in ClinVar:

ClinVar aggregate classification (germline): Likely benign (1 of 4 stars; one submission).

Allele frequency attached by ClinVar (database versions not stated): 1000 Genomes Project 30x 0.00078; 1000 Genomes Project 0.00120.

Submission:

CeGaT Center for Human Genetics Tuebingen
Classification: Likely benign. Last evaluated: 2022-12-01. Review status: criteria provided, single submitter. Criteria: CeGaT Center For Human Genetics Tuebingen Variant Classification Criteria Version 2. Collection method: clinical testing. Allele origin: germline. Affected: yes. Observed: 1 variant allele.
Comment: ABCA2: BP4, BP7

NM_001606.5(ABCA2):c.1173A>T (p.Ala391=)

Gene: ABCA2 (ATP binding cassette subfamily A member 2; minus strand). Cytogenetic location: 9q34.3.
Variant type: single nucleotide variant.
Coding change: c.1173A>T on transcript NM_001606.5 (MANE Select); coding-DNA position 1173, A replaced by T.
Protein change: p.Ala391=; no amino-acid change (alanine 391 retained).
Molecular consequence: synonymous variant.
Genome position (GRCh38, 1-based): chr9:137,020,786, T>A on the plus strand (A>T on the coding strand, the complement: ABCA2 is on the minus strand). VCF-style: chr9-137020786-T-A. GRCh37 (hg19) VCF-style: chr9-139915238-T-A.
Other names: c.1170A>T, p.Ala390= (NM_001411042.1); c.1263A>T, p.Ala421= (NM_212533.3).
Identifiers: ClinVar variation 2659789 (VCV002659789.24), dbSNP rs536427137, ClinGen allele CA5355573.